The following is an entry in ClinVar:

NM_004380.3(CREBBP):c.4500G>A (p.Gln1500=)

Gene: CREBBP (CREB binding lysine acetyltransferase; minus strand). Cytogenetic location: 16p13.3.
Variant type: single nucleotide variant.
Coding change: c.4500G>A on transcript NM_004380.3 (MANE Select); coding-DNA position 4500, G replaced by A.
Protein change: p.Gln1500=; no amino-acid change (glutamine 1500 retained).
Molecular consequence: synonymous variant.
Genome position (GRCh38, 1-based): chr16:3,736,710, C>T on the plus strand (G>A on the coding strand, the complement: CREBBP is on the minus strand). VCF-style: chr16-3736710-C-T. GRCh37 (hg19) VCF-style: chr16-3786711-C-T.
Other names: c.4386G>A, p.Gln1462= (NM_001079846.1); c.4500G>A (NM_004380.2).
Identifiers: ClinVar variation 3623970 (VCV003623970.3).
Genomic context (GRCh38, chr16:3,736,710, plus strand): 5'-CTTGTAGTCATGGATGATCCGCTCTGCAAACGCCTTGTCCAGCATCTTTTTGTACCACTC[C>T]TGCAGTCGTTTTGGCTTGGGTATTTTTTGATCAGGTGGGTGGCAATGGAAGATGTAATCA-3'
Protein context (NP_004371.2, residues 1490-1510): DQKIPKPKRL[Gln1500=]EWYKKMLDKA

ClinVar aggregate classification (germline): Likely benign. Review status: criteria provided, multiple submitters, no conflicts (2 of 4 stars). 2 submissions from 2 submitters: Likely benign (2). Last evaluated 2026-07-02.

Conditions:
CREBBP-related disorder. Also called: CREBBP-related condition; CREBBP-related disorders.
Rubinstein-Taybi syndrome (RSTS). Identifiers: Orphanet 783, MedGen C0035934, MONDO:0019188.

gnomAD v4.1: 2 of 1,614,180 alleles (0.00012%); highest among the groups gnomAD compares: Admixed American, 0.0017%; no homozygotes.

Submissions (2):

PreventionGenetics, part of Exact Sciences
Classification: Likely benign for CREBBP-related condition. Last evaluated: 2026-07-02. Review status: criteria provided, single submitter. Criteria: ACMG Guidelines, 2015. Collection method: clinical testing. Allele origin: germline.
Comment: This variant is classified as likely benign based on ACMG/AMP sequence variant interpretation guidelines (Richards et al. 2015 PMID: 25741868, with internal and published modifications).

Labcorp Genetics (formerly Invitae), Labcorp
Classification: Likely benign for Rubinstein-Taybi syndrome. Last evaluated: 2024-05-07. Review status: criteria provided, single submitter. Criteria: Invitae Variant Classification Sherloc (09022015). Collection method: clinical testing. Allele origin: germline.